The following is an entry in ClinVar:

ClinVar aggregate classification (germline): Likely benign (0 of 4 stars; one submission).

Conditions:
ARL13B-related disorder. Also called: ARL13B-related condition.

Allele frequency attached by ClinVar (database versions not stated): ExAC 0.00002; ESP Exome Variant Server 0.00008; gnomAD 0.00013 and 0.00015; TOPMed 0.00014.
gnomAD v4.1: 51 of 1,612,750 alleles (0.0032%); highest among the groups gnomAD compares: African/African-American, 0.044%; no homozygotes.

Submission:

PreventionGenetics, part of Exact Sciences
Classification: Likely benign for ARL13B-related condition. Last evaluated: 2019-03-21. Review status: no assertion criteria provided. Collection method: clinical testing. Allele origin: germline.
Comment: This variant is classified as likely benign based on ACMG/AMP sequence variant interpretation guidelines (Richards et al. 2015 PMID: 25741868, with internal and published modifications).

NM_001174150.2(ARL13B):c.*2C>T

Gene: ARL13B (ARF like GTPase 13B; plus strand). Cytogenetic location: 3q11.2.
Variant type: single nucleotide variant.
Coding change: c.*2C>T on transcript NM_001174150.2 (MANE Select); 2 bases downstream of the stop codon, C replaced by T.
Molecular consequence: 3 prime UTR variant. On other transcripts: non-coding transcript variant (2).
Genome position (GRCh38, 1-based): chr3:94,053,265, C>T. VCF-style: chr3-94053265-C-T. GRCh37 (hg19) VCF-style: chr3-93772109-C-T.
Other names: c.*2C>T (NM_001174151.2, NM_001321328.2, NM_144996.4 and 1 more transcripts).
Identifiers: ClinVar variation 3058555 (VCV003058555.2), dbSNP rs377420487, ClinGen allele CA2504332.